The following is an entry in ClinVar:

ClinVar aggregate classification (germline): Uncertain significance. Review status: criteria provided, multiple submitters, no conflicts (2 of 4 stars). 2 submissions from 2 submitters: Uncertain significance (2). Last evaluated 2023-04-28.

Allele frequency attached by ClinVar (database versions not stated): gnomAD 0.00001; TOPMed 0.00002; ESP Exome Variant Server 0.00008.
gnomAD v4.1: 9 of 1,614,026 alleles (0.00056%); highest among the groups gnomAD compares: Non-Finnish European, 0.00076%; no homozygotes.

Submissions (2):

Blueprint Genetics
Classification: Uncertain significance. Last evaluated: 2023-04-28. Review status: criteria provided, single submitter. Criteria: ACMG Guidelines, 2015. Collection method: clinical testing. Allele origin: germline.

Labcorp Genetics (formerly Invitae), Labcorp
Classification: Uncertain significance. Last evaluated: 2022-08-21. Review status: criteria provided, single submitter. Criteria: Invitae Variant Classification Sherloc (09022015). Collection method: clinical testing. Allele origin: germline.
Comment: This sequence change replaces glutamine, which is neutral and polar, with histidine, which is basic and polar, at codon 1236 of the LRP2 protein (p.Gln1236His). This variant is present in population databases (rs147498752, gnomAD 0.007%). This variant has not been reported in the literature in individuals affected with LRP2-related conditions. Advanced modeling of protein sequence and biophysical properties (such as structural, functional, and spatial information, amino acid conservation, physicochemical variation, residue mobility, and thermodynamic stability) performed at Invitae indicates that this missense variant is expected to disrupt LRP2 protein function. In summary, the available evidence is currently insufficient to determine the role of this variant in disease. Therefore, it has been classified as a Variant of Uncertain Significance.

NM_004525.3(LRP2):c.3708G>T (p.Gln1236His)

Gene: LRP2 (LDL receptor related protein 2; minus strand). Cytogenetic location: 2q31.1.
Variant type: single nucleotide variant.
Coding change: c.3708G>T on transcript NM_004525.3 (MANE Select); coding-DNA position 3708, G replaced by T.
Protein change: p.Gln1236His; replaces glutamine 1236 with histidine.
Molecular consequence: missense variant.
Genome position (GRCh38, 1-based): chr2:169,241,325, C>A on the plus strand (G>T on the coding strand, the complement: LRP2 is on the minus strand). VCF-style: chr2-169241325-C-A. GRCh37 (hg19) VCF-style: chr2-170097835-C-A.
Other names: short protein forms Q1236H.
Identifiers: ClinVar variation 1925990 (VCV001925990.3), dbSNP rs147498752, ClinGen allele CA59917875.